The following is an entry in ClinVar:

NM_000135.4(FANCA):c.545T>C (p.Val182Ala)

Gene: FANCA (FA complementation group A; minus strand). Cytogenetic location: 16q24.3.
Variant type: single nucleotide variant.
Coding change: c.545T>C on transcript NM_000135.4 (MANE Select); coding-DNA position 545, T replaced by C.
Protein change: p.Val182Ala; replaces valine 182 with alanine.
Molecular consequence: missense variant.
Genome position (GRCh38, 1-based): chr16:89,808,345, A>G on the plus strand (T>C on the coding strand, the complement: FANCA is on the minus strand). VCF-style: chr16-89808345-A-G. GRCh37 (hg19) VCF-style: chr16-89874753-A-G.
Other names: c.545T>C, p.Val182Ala (NM_001018112.3, NM_001286167.3); c.449T>C, p.Val150Ala (NM_001351830.2); short protein forms V150A, V182A.
Identifiers: ClinVar variation 863167 (VCV000863167.10), dbSNP rs2040743042, ClinGen allele CA397479362.

ClinVar aggregate classification (germline): Uncertain significance. Review status: criteria provided, multiple submitters, no conflicts (2 of 4 stars). 3 submissions from 3 submitters: Uncertain significance (2). 1 of the submissions does not count toward it. Last evaluated 2025-03-14.

Conditions:
Inborn genetic diseases. Identifiers: MedGen C0950123, MeSH D030342.
Fanconi anemia (FA). Also called: Fanconi's anemia. Identifiers: Orphanet 84, MedGen C0015625, MeSH D005199, MONDO:0019391.

Submissions (3):

Ambry Genetics
Classification: Uncertain significance for Inborn genetic diseases. Last evaluated: 2025-03-14. Review status: criteria provided, single submitter. Criteria: Ambry Variant Classification Scheme 2023. Collection method: clinical testing. Allele origin: germline.
Comment: The p.V182A variant (also known as c.545T>C), located in coding exon 6 of the FANCA gene, results from a T to C substitution at nucleotide position 545. The valine at codon 182 is replaced by alanine, an amino acid with similar properties. This amino acid position is conserved. In addition, the in silico prediction for this alteration is inconclusive. Based on the available evidence, the clinical significance of this variant remains unclear.

Labcorp Genetics (formerly Invitae), Labcorp
Classification: Uncertain significance for Fanconi anemia. Last evaluated: 2024-05-22. Review status: criteria provided, single submitter. Criteria: Invitae Variant Classification Sherloc (09022015). Collection method: clinical testing. Allele origin: germline.
Comment: This sequence change replaces valine, which is neutral and non-polar, with alanine, which is neutral and non-polar, at codon 182 of the FANCA protein (p.Val182Ala). This variant is not present in population databases (gnomAD no frequency). This variant has not been reported in the literature in individuals affected with FANCA-related conditions. ClinVar contains an entry for this variant (Variation ID: 863167). Advanced modeling of protein sequence and biophysical properties (such as structural, functional, and spatial information, amino acid conservation, physicochemical variation, residue mobility, and thermodynamic stability) performed at Invitae indicates that this missense variant is not expected to disrupt FANCA protein function with a negative predictive value of 80%. In summary, the available evidence is currently insufficient to determine the role of this variant in disease. Therefore, it has been classified as a Variant of Uncertain Significance.

Natera, Inc.
Classification: Uncertain significance for Fanconi anemia. Last evaluated: 2021-09-17. Review status: no assertion criteria provided. Collection method: clinical testing. Allele origin: germline. Not counted in ClinVar's aggregate classification.